The following is an entry in ClinVar:

ClinVar aggregate classification (germline): Pathogenic. Review status: reviewed by expert panel (3 of 4 stars). 2 submissions from 2 submitters: Pathogenic (1). 1 of the submissions does not count toward it. Last evaluated 2026-09-26.

Conditions:
Juvenile retinoschisis (RS1). Also called: X-linked retinoschisis; X-Linked Juvenile Retinoschisis. Identifiers: Orphanet 792, MedGen C3714753, MONDO:0010725, OMIM 312700.

Allele frequency attached by ClinVar (database versions not stated): gnomAD exomes below 0.00001.
gnomAD v4.1: 1 of 1,211,421 alleles (0.000083%); highest among the groups gnomAD compares: Non-Finnish European, 0.00011%; no homozygotes.

Submissions (2):

ClinGen X-linked Inherited Retinal Disease Variant Curation Expert Panel, ClinGen
Classification: Pathogenic for Juvenile retinoschisis. Last evaluated: 2026-09-26. Review status: reviewed by expert panel. Criteria: ClinGen X LinkedIRD ACMG Specifications RS1 V1.0.0. Collection method: curation. Allele origin: germline. Inheritance: X-linked inheritance.
Comment: The NM_000330.4(RS1):c.575C>T (p.Pro192Leu) variant is a missense variant encoding the substitution of Proline and Leucine at amino acid 192. This variant is absent from hemizygous individuals in gnomAD v4.1.0 (PM2_Supporting). The computational predictor REVEL gives a score of 0.963, which is above the ClinGen X-linked IRD VCEP threshold of >0.932 and predicts a damaging effect on RS1 function (PP3_strong). The computational splicing predictor SpliceAI gives a delta score of 0.02 for donor gain, which is below the ClinGen X-linked IRD VCEP threshold of >0.2 and does not predict that the variant disrupts RS1 splicing. At least one proband harboring this variant exhibits a phenotype including the appearance of schisis and reduced visual acuity before age 13 years, and showing retinal detachment, which together are highly specific for X-linked retinoschisis (PMID: 32300273, PP4_Moderate). This variant has been reported in at least 5 apparently unrelated probands meeting one of the PS4 requirements of a male diagnosed with XLRS (PMIDs: 19093009, 19324861, 28348004, 33124204, 36460718, PS4). In summary, this variant is classified as pathogenic for X-linked retinoschisis based on the ClinGen X-linked Inherited Retinal Disease Expert Panel Specifications to the ACMG/AMP Variant Interpretation Guidelines for RS1 Version 1.0.0: PM2_Supporting, PP3_Strong, PP4_Moderate, and PS4.

Labcorp Genetics (formerly Invitae), Labcorp
Classification: Pathogenic. Last evaluated: 2022-09-09. Review status: criteria provided, single submitter. Criteria: Invitae Variant Classification Sherloc (09022015). Collection method: clinical testing. Allele origin: germline. Not counted in ClinVar's aggregate classification.
Comment: Advanced modeling of protein sequence and biophysical properties (such as structural, functional, and spatial information, amino acid conservation, physicochemical variation, residue mobility, and thermodynamic stability) performed at Invitae indicates that this missense variant is expected to disrupt RS1 protein function. For these reasons, this variant has been classified as Pathogenic. This variant disrupts the p.Pro192 amino acid residue in RS1. Other variant(s) that disrupt this residue have been determined to be pathogenic (PMID: 10533068, 28348004, 30551202, 30652005). This suggests that this residue is clinically significant, and that variants that disrupt this residue are likely to be disease-causing. ClinVar contains an entry for this variant (Variation ID: 863203). This missense change has been observed in individuals with X-linked retinoschisis (PMID: 19093009, 19324861, 28348004; Invitae). This variant is not present in population databases (gnomAD no frequency). This sequence change replaces proline, which is neutral and non-polar, with leucine, which is neutral and non-polar, at codon 192 of the RS1 protein (p.Pro192Leu).

Literature cited by the submitters: PubMed 10533068 (cited by Labcorp Genetics (formerly Invitae), Labcorp); PubMed 28348004 (cited by Labcorp Genetics (formerly Invitae), Labcorp); PubMed 30551202 (cited by Labcorp Genetics (formerly Invitae), Labcorp); PubMed 30652005 (cited by Labcorp Genetics (formerly Invitae), Labcorp); PubMed 19093009 (cited by Labcorp Genetics (formerly Invitae), Labcorp); PubMed 19324861 (cited by Labcorp Genetics (formerly Invitae), Labcorp).

NM_000330.4(RS1):c.575C>T (p.Pro192Leu)

Genes: CDKL5 (cyclin dependent kinase like 5; plus strand), RS1 (retinoschisin 1; minus strand). Cytogenetic location: Xp22.13.
Variant type: single nucleotide variant.
Coding change: c.575C>T on transcript NM_000330.4 (MANE Select); coding-DNA position 575, C replaced by T.
Protein change: p.Pro192Leu; replaces proline 192 with leucine.
Molecular consequence: missense variant. On other transcripts: intron variant (2).
Genome position (GRCh38, 1-based): chrX:18,642,104, G>A on the plus strand (C>T on the coding strand, the complement: RS1 is on the minus strand). VCF-style: chrX-18642104-G-A. GRCh37 (hg19) VCF-style: chrX-18660224-G-A.
Other names: NM_000330.4(RS1):c.575C>T; p.Pro192Leu; c.2714-3903G>A (NM_003159.3, NM_001037343.2); short protein forms P192L.
Identifiers: ClinVar variation 863203 (VCV000863203.11), dbSNP rs61753175, ClinGen allele CA412370409.